The following is an entry in ClinVar:

NM_005271.5(GLUD1):c.448A>G (p.Ile150Val)

Gene: GLUD1 (glutamate dehydrogenase 1; minus strand). Cytogenetic location: 10q23.2.
Variant type: single nucleotide variant.
Coding change: c.448A>G on transcript NM_005271.5 (MANE Select); coding-DNA position 448, A replaced by G.
Protein change: p.Ile150Val; replaces isoleucine 150 with valine.
Molecular consequence: missense variant. On other transcripts: 5 prime UTR variant (5).
Genome position (GRCh38, 1-based): chr10:87,076,654, T>C on the plus strand (A>G on the coding strand, the complement: GLUD1 is on the minus strand). VCF-style: chr10-87076654-T-C. GRCh37 (hg19) VCF-style: chr10-88836411-T-C.
Other names: c.49A>G, p.Ile17Val (NM_001318900.1); c.-54A>G (NM_001318901.1, NM_001318902.1, NM_001318904.2 and 2 more transcripts); short protein forms I17V, I150V.
Identifiers: ClinVar variation 4992317 (VCV004992317.1).

ClinVar aggregate classification (germline): Uncertain significance (1 of 4 stars; one submission).

Conditions:
GLUD1-related disorder. Also called: GLUD1-related condition.

Submission:

PreventionGenetics, part of Exact Sciences
Classification: Uncertain significance for GLUD1-related condition. Last evaluated: 2026-04-30. Review status: criteria provided, single submitter. Criteria: ACMG Guidelines, 2015. Collection method: clinical testing. Allele origin: germline.
Comment: The GLUD1 c.448A>G variant is predicted to result in the amino acid substitution p.Ile150Val. To our knowledge, this variant has not been reported in the literature or in a large population database (gnomAD), indicating this variant is rare. At this time, the clinical significance of this variant is uncertain due to the absence of conclusive functional and genetic evidence.